The following is an entry in ClinVar:

ClinVar aggregate classification (germline): Likely benign. Review status: criteria provided, multiple submitters, no conflicts (2 of 4 stars). 4 submissions from 4 submitters: Likely benign (4). Last evaluated 2026-04-13.

Conditions:
Cardiovascular phenotype. Identifiers: MedGen CN230736.

gnomAD v4.1: 112 of 1,550,186 alleles (0.0072%); highest among the groups gnomAD compares: Non-Finnish European, 0.0078%; no homozygotes.

Submissions (4):

Women's Health and Genetics/Laboratory Corporation of America, LabCorp
Classification: Likely benign. Last evaluated: 2026-04-13. Review status: criteria provided, single submitter. Criteria: LabCorp Variant Classification Summary - May 2015. Collection method: clinical testing. Allele origin: germline.

Labcorp Genetics (formerly Invitae), Labcorp
Classification: Likely benign. Last evaluated: 2026-02-01. Review status: criteria provided, single submitter. Criteria: Invitae Variant Classification Sherloc (09022015). Collection method: clinical testing. Allele origin: germline.

Ambry Genetics
Classification: Likely benign for Cardiovascular phenotype. Last evaluated: 2023-03-26. Review status: criteria provided, single submitter. Criteria: Ambry Variant Classification Scheme 2023. Collection method: clinical testing. Allele origin: germline.

GeneDx
Classification: Likely benign. Last evaluated: 2021-02-25. Review status: criteria provided, single submitter. Criteria: GeneDx Variant Classification Process June 2021. Collection method: clinical testing. Allele origin: germline. Affected: yes.
Comment: Has not been previously published as pathogenic or benign to our knowledge

NM_001367624.2(ZNF469):c.3645C>A (p.Thr1215=)

Gene: ZNF469 (zinc finger protein 469; plus strand). Cytogenetic location: 16q24.2.
Variant type: single nucleotide variant.
Coding change: c.3645C>A on transcript NM_001367624.2 (MANE Select); coding-DNA position 3645, C replaced by A.
Protein change: p.Thr1215=; no amino-acid change (threonine 1215 retained).
Molecular consequence: synonymous variant.
Genome position (GRCh38, 1-based): chr16:88,431,115, C>A. VCF-style: chr16-88431115-C-A. GRCh37 (hg19) VCF-style: chr16-88497523-C-A.
Other names: NM_001127464.1:c.3561C>A.
Identifiers: ClinVar variation 1212180 (VCV001212180.11), dbSNP rs914966546, ClinGen allele CA286375085.